The following is an entry in ClinVar:

NM_017534.6(MYH2):c.2270T>C (p.Ile757Thr)

Genes: MYH2 (myosin heavy chain 2; minus strand), MYHAS (myosin heavy chain gene cluster antisense RNA; plus strand). Cytogenetic location: 17p13.1.
Variant type: single nucleotide variant.
Coding change: c.2270T>C on transcript NM_017534.6 (MANE Select); coding-DNA position 2270, T replaced by C.
Protein change: p.Ile757Thr; replaces isoleucine 757 with threonine.
Molecular consequence: missense variant.
Genome position (GRCh38, 1-based): chr17:10,533,543, A>G on the plus strand (T>C on the coding strand, the complement: MYH2 is on the minus strand). VCF-style: chr17-10533543-A-G. GRCh37 (hg19) VCF-style: chr17-10436860-A-G.
Other names: p.Ile757Thr; c.2270T>C, p.Ile757Thr (NM_001100112.2); short protein forms I757T.
Identifiers: ClinVar variation 291167 (VCV000291167.68), dbSNP rs117390537, ClinGen allele CA8391174.
Genomic context (GRCh38, chr17:10,533,543, plus strand): 5'-ATCAGGTAGGATTTACAGAAAATTACCTTGGTGTGCCCAAATTTATACTGGGTGTGGTCA[A>G]TGTCGATGGATGCAAGGAGCTTCTCAGAGGCCTTCTTGCTATCAATGAATTGCCCTTCAG-3'
Protein context (NP_060004.3, residues 747-767): ASEKLLASID[Ile757Thr]DHTQYKFGHT

ClinVar aggregate classification (germline): Conflicting classifications of pathogenicity. Review status: criteria provided, conflicting classifications (1 of 4 stars). 10 submissions from 10 submitters: Uncertain significance (7); Likely benign (2). 1 of the submissions does not count toward it. Last evaluated 2026-09-01.

Conditions:
Myopathy, proximal, and ophthalmoplegia (CMYO6). Also called: INCLUSION BODY MYOPATHY 3, AUTOSOMAL DOMINANT; CONGENITAL MYOPATHY 6 WITH OPHTHALMOPLEGIA; MYOPATHY WITH CONGENITAL JOINT CONTRACTURES, OPHTHALMOPLEGIA, AND RIMMED VACUOLES. Identifiers: Orphanet 363677, Orphanet 79091, MedGen C1854106, MONDO:0011577, OMIM 605637.
MYH2-related disorder. Also called: MYH2-related condition.

Allele frequency attached by ClinVar (database versions not stated): gnomAD exomes 0.00091 and 0.00132; ExAC 0.00096; gnomAD 0.00103 and 0.00104; ESP Exome Variant Server 0.00108; 1000 Genomes Project 0.00120; TOPMed 0.00135; 1000 Genomes Project 30x 0.00141.
gnomAD v4.1: 2,074 of 1,614,212 alleles (0.13%); highest among the groups gnomAD compares: Admixed American, 0.16%; 3 homozygotes.

Submissions (10):

CeGaT Center for Human Genetics Tuebingen
Classification: Likely benign. Last evaluated: 2026-09-01. Review status: criteria provided, single submitter. Criteria: CeGaT Center For Human Genetics Tuebingen Variant Classification Criteria Version 2. Collection method: clinical testing. Allele origin: germline. Affected: yes. Observed: 3 variant alleles.
Comment: MYH2: BS2

Labcorp Genetics (formerly Invitae), Labcorp
Classification: Uncertain significance for Myopathy, proximal, and ophthalmoplegia. Last evaluated: 2026-01-30. Review status: criteria provided, single submitter. Criteria: Invitae Variant Classification Sherloc (09022015). Collection method: clinical testing. Allele origin: germline.
Comment: This sequence change replaces isoleucine, which is neutral and non-polar, with threonine, which is neutral and polar, at codon 757 of the MYH2 protein (p.Ile757Thr). This variant is present in population databases (rs117390537, gnomAD 0.2%), and has an allele count higher than expected for a pathogenic variant. This variant has not been reported in the literature in individuals affected with MYH2-related conditions. ClinVar contains an entry for this variant (Variation ID: 291167). Invitae Evidence Modeling of protein sequence and biophysical properties (such as structural, functional, and spatial information, amino acid conservation, physicochemical variation, residue mobility, and thermodynamic stability) has been performed for this missense variant. However, the output from this modeling did not meet the statistical confidence thresholds required to predict the impact of this variant on MYH2 protein function. In summary, the available evidence is currently insufficient to determine the role of this variant in disease. Therefore, it has been classified as a Variant of Uncertain Significance.

GeneDx
Classification: Uncertain significance. Last evaluated: 2025-12-18. Review status: criteria provided, single submitter. Criteria: GeneDx Variant Classification Process June 2021. Collection method: clinical testing. Allele origin: germline. Affected: yes.
Comment: In silico analysis supports that this missense variant has a deleterious effect on protein structure/function; Has not been previously published as pathogenic or benign to our knowledge

Mayo Clinic Laboratories, Mayo Clinic
Classification: Uncertain significance. Last evaluated: 2024-08-23. Review status: criteria provided, single submitter. Criteria: ACMG Guidelines, 2015. Collection method: clinical testing. Allele origin: germline. Observed: 2 variant alleles.
Comment: BS2

Revvity Omics, Revvity
Classification: Likely benign for Myopathy, proximal, and ophthalmoplegia. Last evaluated: 2023-12-11. Review status: criteria provided, single submitter. Criteria: ACMG Guidelines, 2015. Collection method: clinical testing. Allele origin: germline.

Women's Health and Genetics/Laboratory Corporation of America, LabCorp
Classification: Uncertain significance. Last evaluated: 2022-12-05. Review status: criteria provided, single submitter. Criteria: LabCorp Variant Classification Summary - May 2015. Collection method: clinical testing. Allele origin: germline.
Comment: Variant summary: MYH2 c.2270T>C (p.Ile757Thr) results in a non-conservative amino acid change located in the myosin head, motor domain (IPR001609) of the encoded protein sequence. Four of five in-silico tools predict a damaging effect of the variant on protein function. The variant allele was found at a frequency of 0.00091 in 251378 control chromosomes (gnomAD). To our knowledge, no occurrence of c.2270T>C in individuals affected with Myopathy, Proximal, And Ophthalmoplegia and no experimental evidence demonstrating its impact on protein function have been reported. Six clinical diagnostic laboratories have submitted clinical-significance assessments for this variant to ClinVar after 2014 and all classified the variant as uncertain significance. Based on the evidence outlined above, the variant was classified as uncertain significance.

Mendelics
Classification: Uncertain significance for Myopathy, proximal, and ophthalmoplegia. Last evaluated: 2019-05-28. Review status: criteria provided, single submitter. Criteria: Mendelics Assertion Criteria 2017. Collection method: clinical testing. Allele origin: unknown.

Fulgent Genetics
Classification: Uncertain significance for Myopathy, proximal, and ophthalmoplegia. Last evaluated: 2018-10-31. Review status: criteria provided, single submitter. Criteria: ACMG Guidelines, 2015. Collection method: clinical testing. Allele origin: unknown.

Eurofins Ntd Llc (ga)
Classification: Uncertain significance. Last evaluated: 2016-09-20. Review status: criteria provided, single submitter. Criteria: EGL Classification Definitions 2015. Collection method: clinical testing. Allele origin: germline. Observed: 1 variant allele, 1 heterozygote.

PreventionGenetics, part of Exact Sciences
Classification: Likely benign for MYH2-related condition. Last evaluated: 2022-11-03. Review status: no assertion criteria provided. Collection method: clinical testing. Allele origin: germline. Not counted in ClinVar's aggregate classification.
Comment: This variant is classified as likely benign based on ACMG/AMP sequence variant interpretation guidelines (Richards et al. 2015 PMID: 25741868, with internal and published modifications).